The following is an entry in ClinVar:

ClinVar aggregate classification (germline): Pathogenic (1 of 4 stars; one submission).

Conditions:
Neurofibromatosis, type 1 (NF1). Also called: VON RECKLINGHAUSEN DISEASE; Peripheral type neurofibromatosis; NEUROFIBROMATOSIS, TYPE I, SOMATIC; Neurofibromatosis, type I. Identifiers: Orphanet 636, MedGen C0027831, MONDO:0018975, OMIM 162200. Disease mechanism: loss of function.

Submission:

Labcorp Genetics (formerly Invitae), Labcorp
Classification: Pathogenic for Neurofibromatosis, type 1. Last evaluated: 2021-07-22. Review status: criteria provided, single submitter. Criteria: Invitae Variant Classification Sherloc (09022015). Collection method: clinical testing. Allele origin: germline.
Comment: For these reasons, this variant has been classified as Pathogenic. Donor and acceptor splice site variants typically lead to a loss of protein function (PMID: 16199547), and loss-of-function variants in NF1 are known to be pathogenic (PMID: 10712197, 23913538). Algorithms developed to predict the effect of sequence changes on RNA splicing suggest that this variant may disrupt the consensus splice site, but this prediction has not been confirmed by published transcriptional studies. Disruption of this splice site has been observed in individual(s) with neurofibromatosis type I (PMID: 30014477, 7633431). This variant is not present in population databases (ExAC no frequency). This sequence change affects a donor splice site in intron 36 of the NF1 gene. It is expected to disrupt RNA splicing and likely results in an absent or disrupted protein product.

Literature cited by the submitters: PubMed 16199547; PubMed 10712197; PubMed 23913538; PubMed 30014477; PubMed 7633431.

NM_001042492.3(NF1):c.5268+1del

Gene: NF1 (neurofibromin 1; plus strand). Cytogenetic location: 17q11.2.
Variant type: Deletion.
Coding change: c.5268+1del on transcript NM_001042492.3 (MANE Select); the canonical splice donor site of the intron after coding-DNA position 5268, one base deleted (G; older notation c.5268+1delG).
Molecular consequence: splice donor variant.
Genome position (GRCh38, 1-based): chr17:31,326,253, G deleted. VCF-style (leftmost placement, unchanged base first): chr17-31326252-AG-A. GRCh37 (hg19) VCF-style: chr17-29653270-AG-A.
Other names: c.5205+1del (NM_000267.4).
Identifiers: ClinVar variation 1076120 (VCV001076120.5), dbSNP rs2151539137, ClinGen allele CA2499224166.